The following is an entry in ClinVar:

ClinVar aggregate classification (germline): Pathogenic (1 of 4 stars; one submission).

Conditions:
Ataxia-telangiectasia syndrome (AT). Also called: Ataxia-telangiectasia; LOUIS-BAR SYNDROME; Ataxia-telangiectasia, complementation group D; AT, COMPLEMENTATION GROUP C; ATAXIA-TELANGIECTASIA, COMPLEMENTATION GROUP A; ATAXIA-TELANGIECTASIA, FRESNO VARIANT. Identifiers: Orphanet 100, MedGen C0004135, MONDO:0008840, OMIM 208900.

Submission:

Labcorp Genetics (formerly Invitae), Labcorp
Classification: Pathogenic for Ataxia-telangiectasia syndrome. Last evaluated: 2023-02-24. Review status: criteria provided, single submitter. Criteria: Invitae Variant Classification Sherloc (09022015). Collection method: clinical testing. Allele origin: germline.
Comment: This sequence change creates a premature translational stop signal (p.Trp1933*) in the ATM gene. It is expected to result in an absent or disrupted protein product. Loss-of-function variants in ATM are known to be pathogenic (PMID: 23807571, 25614872). For these reasons, this variant has been classified as Pathogenic. ClinVar contains an entry for this variant (Variation ID: 1433261). This variant has not been reported in the literature in individuals affected with ATM-related conditions. This variant is not present in population databases (gnomAD no frequency).

Literature cited by the submitters: PubMed 23807571; PubMed 25614872.

NM_000051.4(ATM):c.5799G>A (p.Trp1933Ter)

Genes: ATM (ATM serine/threonine kinase; plus strand), C11orf65 (chromosome 11 open reading frame 65; minus strand). Cytogenetic location: 11q22.3.
Variant type: single nucleotide variant.
Coding change: c.5799G>A on transcript NM_000051.4 (MANE Select); coding-DNA position 5799, G replaced by A.
Protein change: p.Trp1933Ter; replaces tryptophan 1933 with a stop codon.
Molecular consequence: nonsense. On other transcripts: intron variant (2).
Genome position (GRCh38, 1-based): chr11:108,310,196, G>A. VCF-style: chr11-108310196-G-A. GRCh37 (hg19) VCF-style: chr11-108180923-G-A.
Other names: c.5799G>A, p.Trp1933Ter (NM_001351834.2); c.641-1125C>T (NM_001330368.2); c.*39-1125C>T (NM_001351110.2); short protein forms W1933*.
Identifiers: ClinVar variation 1433261 (VCV001433261.6), dbSNP rs2084026241, ClinGen allele CA382548349.
Genomic context (GRCh38, chr11:108,310,196, plus strand): 5'-ACATTATATCTCATTTTTCTTTAGACCTTCTTCAGGAACAATTTTTAATGATGCTTTCTG[G>A]CTGGATTTAAATTATCTAGAAGTTGCCAAGGTAGCTCAGTCTTGTGCTGCTCACTTTACA-3'